The following is an entry in ClinVar:

ClinVar aggregate classification (germline): Uncertain significance (1 of 4 stars; one submission).

Conditions:
Baller-Gerold syndrome (BGS). Also called: CRANIOSYNOSTOSIS WITH RADIAL DEFECTS. Identifiers: Orphanet 1225, MedGen C0265308, MONDO:0009039, OMIM 218600.

Allele frequency attached by ClinVar (database versions not stated): gnomAD exomes 0.00001.

Submission:

Labcorp Genetics (formerly Invitae), Labcorp
Classification: Uncertain significance for Baller-Gerold syndrome. Last evaluated: 2023-03-01. Review status: criteria provided, single submitter. Criteria: Invitae Variant Classification Sherloc (09022015). Collection method: clinical testing. Allele origin: germline.
Comment: This sequence change replaces serine, which is neutral and polar, with threonine, which is neutral and polar, at codon 271 of the RECQL4 protein (p.Ser271Thr). This variant is not present in population databases (gnomAD no frequency). This variant has not been reported in the literature in individuals affected with RECQL4-related conditions. Advanced modeling of protein sequence and biophysical properties (such as structural, functional, and spatial information, amino acid conservation, physicochemical variation, residue mobility, and thermodynamic stability) performed at Invitae indicates that this missense variant is not expected to disrupt RECQL4 protein function. In summary, the available evidence is currently insufficient to determine the role of this variant in disease. Therefore, it has been classified as a Variant of Uncertain Significance.

NM_004260.4(RECQL4):c.812G>C (p.Ser271Thr)

Gene: RECQL4 (RecQ like helicase 4; minus strand). Cytogenetic location: 8q24.3.
Variant type: single nucleotide variant.
Coding change: c.812G>C on transcript NM_004260.4 (MANE Select); coding-DNA position 812, G replaced by C.
Protein change: p.Ser271Thr; replaces serine 271 with threonine.
Molecular consequence: missense variant. On other transcripts: 5 prime UTR variant (17), non-coding transcript variant (3).
Genome position (GRCh38, 1-based): chr8:144,516,307, C>G on the plus strand (G>C on the coding strand, the complement: RECQL4 is on the minus strand). VCF-style: chr8-144516307-C-G. GRCh37 (hg19) VCF-style: chr8-145741691-C-G.
Other names: c.812G>C, p.Ser271Thr (NM_001413017.1, NM_001413018.1, NM_001413019.1 and 4 more transcripts); c.-260G>C (NM_001413021.1, NM_001413022.1, NM_001413023.1 and 7 more transcripts); c.683G>C, p.Ser228Thr (NM_001413025.1); c.-322G>C (NM_001413027.1, NM_001413030.1, NM_001413031.1 and 2 more transcripts); c.461G>C, p.Ser154Thr (NM_001413029.1); c.-164G>C (NM_001413034.1); c.-529G>C (NM_001413043.1); short protein forms S271T, S154T, S228T.
Identifiers: ClinVar variation 2796804 (VCV002796804.1), dbSNP rs2538089437, ClinGen allele CA372689119.
Genomic context (GRCh38, chr8:144,516,307, plus strand): 5'-GCCCCAGCCCCCTCCGATGGGGGTCCAGCTTGGCTGCTCTCCTGCTGGACCTGTGCGGGG[C>G]TCTCCCAGGGCTCCTCGTTCCATCTCCGCTTCTCGCCTCCACTGCTGCTGGGCTGGGGGC-3'
Protein context (NP_004251.4, residues 261-281): KRRWNEEPWE[Ser271Thr]PAQVQQESSQ